The following is an entry in ClinVar:

NM_017882.3(CLN6):c.542+5G>T

Gene: CLN6 (CLN6 transmembrane ER protein; minus strand). Cytogenetic location: 15q23.
Variant type: single nucleotide variant.
Coding change: c.542+5G>T on transcript NM_017882.3 (MANE Select); 5 bases into the intron after coding-DNA position 542, G replaced by T.
Molecular consequence: intron variant.
Genome position (GRCh38, 1-based): chr15:68,211,258, C>A on the plus strand (G>T on the coding strand, the complement: CLN6 is on the minus strand). VCF-style: chr15-68211258-C-A. GRCh37 (hg19) VCF-style: chr15-68503596-C-A.
Other names: IVS5DS, G-T, +5.
Identifiers: ClinVar variation 4085 (VCV000004085.8), dbSNP rs786205066, ClinGen allele CA252986.

ClinVar aggregate classification (germline): Uncertain significance. Review status: criteria provided, multiple submitters, no conflicts (2 of 4 stars). 3 submissions from 3 submitters: Uncertain significance (2). 1 of the submissions does not count toward it. Last evaluated 2023-06-22.

Conditions:
Neuronal ceroid lipofuscinosis. Also called: Neuronal Ceroid Lipofuscinoses. Identifiers: Orphanet 216, Orphanet 79263, MedGen C0027877, MONDO:0016295. Disease mechanism: loss of function.
Ceroid lipofuscinosis, neuronal, 6A. Also called: Neuronal ceroid lipofuscinosis, late infantile, variant; Neuronal ceroid lipofuscinosis, Gypsy/Indian early juvenile variant; Neuronal ceroid lipofuscinosis 6; CLN6-Related Neuronal Ceroid-Lipofuscinosis. Identifiers: Orphanet 168491, Orphanet 228363, MedGen C5551375, MONDO:0011144, OMIM 601780.

Submissions (3):

Neuberg Centre For Genomic Medicine, NCGM
Classification: Uncertain significance for Ceroid lipofuscinosis, neuronal, 6A. Last evaluated: 2023-06-22. Review status: criteria provided, single submitter. Criteria: ACMG Guidelines, 2015. Collection method: clinical testing. Allele origin: germline. Inheritance: Autosomal recessive inheritance. Affected: yes.
Comment: The splice site variant c.542+5G>T in the CLN6 gene has been reported previously in an individual in homozygous state affected with neuronal ceroid lipofuscinosis (Siintola et al., 2005). The c.542+5G>T mutation apparently leads to usage of cryptic donor splice sites in intron 4 in combination with the acceptor splice site of intron 5. This results in the skipping of the exon 5 that precedes the mutated donor splice site. The variant is novel (not in any individuals) in gnomAD Exomes. It is submitted to ClinVar as Pathogenic/ Uncertain significance. Loss of function variants has been previously reported to be disease causing. For these reasons, this variant has been classified as Uncertain significance.

Labcorp Genetics (formerly Invitae), Labcorp
Classification: Uncertain significance for Neuronal ceroid lipofuscinosis. Last evaluated: 2022-01-11. Review status: criteria provided, single submitter. Criteria: Invitae Variant Classification Sherloc (09022015). Collection method: clinical testing. Allele origin: germline.
Comment: Variants that disrupt the consensus splice site are a relatively common cause of aberrant splicing (PMID: 17576681, 9536098). Studies have shown that this variant is associated with altered splicing, but the impact on the resulting protein product is unknown (PMID: 15996215). ClinVar contains an entry for this variant (Variation ID: 4085). This variant has been observed in individual(s) with neuronal ceroid lipofuscinosis (PMID: 15996215). This variant is not present in population databases (gnomAD no frequency). This sequence change falls in intron 5 of the CLN6 gene. It does not directly change the encoded amino acid sequence of the CLN6 protein. It affects a nucleotide within the consensus splice site. In summary, the available evidence is currently insufficient to determine the role of this variant in disease. Therefore, it has been classified as a Variant of Uncertain Significance.

OMIM
Classification: Pathogenic for CEROID LIPOFUSCINOSIS, NEURONAL, 6A. Last evaluated: 2005-08-01. Review status: no assertion criteria provided. Collection method: literature only. Allele origin: germline. Not counted in ClinVar's aggregate classification.

Literature cited by the submitters: PubMed 17576681 (cited by Labcorp Genetics (formerly Invitae), Labcorp); PubMed 9536098 (cited by Labcorp Genetics (formerly Invitae), Labcorp); PubMed 15996215 (cited by Labcorp Genetics (formerly Invitae), Labcorp and OMIM).